The following is an entry in ClinVar:

NM_001271938.2(MEGF8):c.4885C>T (p.Arg1629Ter)

Gene: MEGF8 (multiple EGF like domains 8; plus strand). Cytogenetic location: 19q13.2.
Variant type: single nucleotide variant.
Coding change: c.4885C>T on transcript NM_001271938.2 (MANE Select); coding-DNA position 4885, C replaced by T.
Protein change: p.Arg1629Ter; replaces arginine 1629 with a stop codon.
Molecular consequence: nonsense.
Genome position (GRCh38, 1-based): chr19:42,357,458, C>T. VCF-style: chr19-42357458-C-T. GRCh37 (hg19) VCF-style: chr19-42861610-C-T.
Other names: c.4684C>T, p.Arg1562Ter (NM_001410.3); short protein forms R1562*, R1629*.
Identifiers: ClinVar variation 4751010 (VCV004751010.1).
Genomic context (GRCh38, chr19:42,357,458, plus strand): 5'-CCTCAGGCCCCCCAGACCGTGGAGCTGCCAGCCGTTGCTGGTCACACCCTTACTGCCCGC[C>T]GAGGCCTGTCTCTGCTCCTGGTGGGCGGTTACTCCCCGGAAAATGGCTTCAACCAGCAGC-3'

ClinVar aggregate classification (germline): Pathogenic (1 of 4 stars; one submission).

Conditions:
MEGF8-related Carpenter syndrome. Also called: Carpenter syndrome 2. Identifiers: Orphanet 65759, MedGen C3554247, MONDO:0013998, OMIM 614976.

Submission:

Labcorp Genetics (formerly Invitae), Labcorp
Classification: Pathogenic for MEGF8-related Carpenter syndrome. Last evaluated: 2025-08-25. Review status: criteria provided, single submitter. Criteria: Invitae Variant Classification Sherloc (09022015). Collection method: clinical testing. Allele origin: germline.
Comment: This sequence change creates a premature translational stop signal (p.Arg1562*) in the MEGF8 gene. It is expected to result in an absent or disrupted protein product. Loss-of-function variants in MEGF8 are known to be pathogenic (PMID: 23063620). This variant is present in population databases (no rsID available, gnomAD 0.0009%). This variant has not been reported in the literature in individuals affected with MEGF8-related conditions. For these reasons, this variant has been classified as Pathogenic.

Literature cited by the submitters: PubMed 23063620.